The following is an entry in ClinVar:

ClinVar aggregate classification (germline): Benign. Review status: reviewed by expert panel (3 of 4 stars). 40 submissions from 40 submitters: Benign (1). 39 of the submissions do not count toward it. Last evaluated 2015-08-10.

Conditions:
Inherited prostate cancer.
BRCA1-related cancer predisposition. Identifiers: MedGen CN377757, MONDO:0700268.
Hereditary cancer-predisposing syndrome. Also called: Neoplastic Syndromes, Hereditary; Hereditary neoplastic syndrome; Hereditary Cancer Syndrome; Tumor predisposition. Identifiers: Orphanet 140162, MedGen C0027672, MeSH D009386, MONDO:0015356.
Breast and/or ovarian cancer. Identifiers: MedGen CN221562.
Hereditary breast ovarian cancer syndrome. Also called: Hereditary breast and ovarian cancer syndrome (HBOC); Breast and ovarian cancer; BRCA1- and BRCA2-Associated Hereditary Breast and Ovarian Cancer; Hereditary breast and ovarian cancer syndrome; Hereditary breast and ovarian cancer; Hereditary breast and/or ovarian cancer syndrome. Identifiers: Orphanet 145, MedGen C0677776, MeSH D061325, MONDO:0003582. Disease mechanism: loss of function.
Breast-ovarian cancer, familial, susceptibility to, 1 (BROVCA1). Also called: BRCA1 Hereditary Breast and Ovarian Cancer; OVARIAN CANCER, SUSCEPTIBILITY TO. Identifiers: Orphanet 145, MedGen C2676676, MONDO:0011450, OMIM 604370. Disease mechanism: loss of function.
Malignant tumor of breast. Also called: Malignant breast neoplasm; Cancer breast. Identifiers: MedGen C0006142, MONDO:0007254. Disease mechanism: loss of function.

Allele frequency attached by ClinVar (database versions not stated): gnomAD 0.00029 and 0.00033; 1000 Genomes Project 0.00020; ExAC 0.00027; ESP Exome Variant Server 0.00031; gnomAD exomes 0.00032 and 0.00026; TOPMed 0.00040; 1000 Genomes Project 30x 0.00031.
gnomAD v4.1: 542 of 1,608,112 alleles (0.034%); highest among the groups gnomAD compares: Middle Eastern, 1.9%; 8 homozygotes.

Submissions 1 to 20 of 40:

Evidence-based Network for the Interpretation of Germline Mutant Alleles (ENIGMA)
Classification: Benign for Breast-ovarian cancer, familial 1. Last evaluated: 2015-08-10. Review status: reviewed by expert panel. Criteria: ENIGMA BRCA1/2 Classification Criteria (2015). Collection method: curation. Allele origin: germline.
Comment: IARC class based on posterior probability from multifactorial likelihood analysis, thresholds for class as per Plon et al. 2008 (PMID: 18951446). Class 1 based on posterior probability = 0.00000000000173

CeGaT Center for Human Genetics Tuebingen
Classification: Benign. Last evaluated: 2026-08-01. Review status: criteria provided, single submitter. Criteria: CeGaT Center For Human Genetics Tuebingen Variant Classification Criteria Version 2. Collection method: clinical testing. Allele origin: germline. Affected: yes. Observed: 32 variant alleles. Not counted in ClinVar's aggregate classification.
Comment: BRCA1: BP1, BS3:Moderate, BS1

Cambridge Genomics Laboratory, East Genomic Laboratory Hub, NHS Genomic Medicine Service
Classification: Benign for Inherited prostate cancer. Last evaluated: 2026-04-30. Review status: criteria provided, single submitter. Criteria: ACGS Best Practice Guidelines for Variant Classification in Rare Disease 2020. Collection method: clinical testing. Allele origin: germline. Affected: yes. Not counted in ClinVar's aggregate classification.
Comment: PP3,BS1_Strong,BP1_Strong,BP5_Very Strong

Labcorp Genetics (formerly Invitae), Labcorp
Classification: Benign for Hereditary breast ovarian cancer syndrome. Last evaluated: 2026-02-02. Review status: criteria provided, single submitter. Criteria: Invitae Variant Classification Sherloc (09022015). Collection method: clinical testing. Allele origin: germline. Not counted in ClinVar's aggregate classification.

Center for Genomic Medicine, Rigshospitalet, Copenhagen University Hospital
Classification: Benign. Last evaluated: 2025-03-04. Review status: criteria provided, single submitter. Criteria: ACMG Guidelines, 2015. Collection method: clinical testing. Allele origin: germline. Not counted in ClinVar's aggregate classification.

Blueprint Genetics
Classification: Benign. Last evaluated: 2024-11-12. Review status: criteria provided, single submitter. Criteria: ACMG Guidelines, 2015. Collection method: clinical testing. Allele origin: germline. Not counted in ClinVar's aggregate classification.

All of Us Research Program, National Institutes of Health
Classification: Likely benign for BRCA1-related cancer predisposition. Last evaluated: 2024-09-27. Review status: criteria provided, single submitter. Criteria: ACMG Guidelines, 2015. Collection method: clinical testing. Allele origin: germline. Inheritance: Autosomal dominant inheritance. Observed: 135 variant alleles, 134 heterozygotes, 1 homozygote. Not counted in ClinVar's aggregate classification.
Comment: This study involves interpretation of variants in research participants for the purpose of population health screening. Participant phenotype was not available at the time of variant classification. Additional details can be found in publication PMID: 35346344, PMCID: PMC8962531

ARUP Laboratories, Molecular Genetics and Genomics, ARUP Laboratories
Classification: Benign. Last evaluated: 2024-09-11. Review status: criteria provided, single submitter. Criteria: ARUP Molecular Germline Variant Investigation Process 2024. Collection method: clinical testing. Allele origin: germline. Not counted in ClinVar's aggregate classification.

KCCC/NGS Laboratory, Kuwait Cancer Control Center
Classification: Benign for Breast-ovarian cancer, familial, susceptibility to, 1. Last evaluated: 2023-07-07. Review status: criteria provided, single submitter. Criteria: ACMG Guidelines, 2015. Collection method: clinical testing. Allele origin: germline. Affected: yes. Not counted in ClinVar's aggregate classification.

CHEO Genetics Diagnostic Laboratory, Children's Hospital of Eastern Ontario
Classification: Likely benign for Breast and/or ovarian cancer. Last evaluated: 2023-02-22. Review status: criteria provided, single submitter. Criteria: ACMG Guidelines, 2015. Collection method: clinical testing. Allele origin: germline. Not counted in ClinVar's aggregate classification.

Quest Diagnostics Nichols Institute San Juan Capistrano
Classification: Benign. Last evaluated: 2022-09-03. Review status: criteria provided, single submitter. Criteria: Quest Diagnostics criteria. Collection method: clinical testing. Allele origin: unknown. Not counted in ClinVar's aggregate classification.

Genetic Services Laboratory, University of Chicago
Classification: Likely benign. Last evaluated: 2022-01-19. Review status: criteria provided, single submitter. Criteria: ACMG Guidelines, 2015. Collection method: clinical testing. Allele origin: germline. Affected: no. Not counted in ClinVar's aggregate classification.

Sema4
Classification: Benign for Hereditary cancer-predisposing syndrome. Last evaluated: 2020-06-25. Review status: criteria provided, single submitter. Criteria: Sema4 Curation Guidelines. Collection method: curation. Allele origin: germline. Not counted in ClinVar's aggregate classification.

Genomic Research Center, Shahid Beheshti University of Medical Sciences
Classification: Likely benign for Breast-ovarian cancer, familial 1. Last evaluated: 2020-05-03. Review status: criteria provided, single submitter. Criteria: ACMG Guidelines, 2015. Collection method: clinical testing. Allele origin: unknown. Affected: yes. Not counted in ClinVar's aggregate classification.

Mendelics
Classification: Likely benign for Breast-ovarian cancer, familial, susceptibility to, 1. Last evaluated: 2019-05-28. Review status: criteria provided, single submitter. Criteria: Mendelics Assertion Criteria 2017. Collection method: clinical testing. Allele origin: unknown. Not counted in ClinVar's aggregate classification.

Illumina Laboratory Services, Illumina
Classification: Benign for Breast-ovarian cancer, familial, susceptibility to, 1. Last evaluated: 2018-11-19. Review status: criteria provided, single submitter. Criteria: ICSL Variant Classification Criteria 13 December 2019. Collection method: clinical testing. Allele origin: germline. Not counted in ClinVar's aggregate classification.
Comment: This variant was observed as part of a predisposition screen in an ostensibly healthy population. A literature search was performed for the gene, cDNA change, and amino acid change (where applicable). Publications were found based on this search. The evidence from the literature, in combination with allele frequency data from public databases where available, was sufficient to rule this variant out of causing disease. Therefore, this variant is classified as benign.

PreventionGenetics, part of Exact Sciences
Classification: Likely benign. Last evaluated: 2017-05-16. Review status: criteria provided, single submitter. Criteria: ACMG Guidelines, 2015. Collection method: clinical testing. Allele origin: germline. Not counted in ClinVar's aggregate classification.

Laboratory for Molecular Medicine, Mass General Brigham Personalized Medicine
Classification: Likely benign. Last evaluated: 2016-06-23. Review status: criteria provided, single submitter. Criteria: LMM Criteria. Collection method: clinical testing. Allele origin: germline. Not counted in ClinVar's aggregate classification.
Comment: Variant identified in a genome or exome case(s) and assessed due to predicted null impact of the variant or pathogenic assertions in the literature or databases. Disclaimer: This variant has not undergone full assessment. The following are preliminary notes: ClinVar: 6 B/LB, including expert panel

Molecular Genetics Laboratory, University of Michigan
Classification: Benign for Breast-ovarian cancer, familial, susceptibility to, 1. Last evaluated: 2016-04-21. Review status: criteria provided, single submitter. Criteria: ACMG Guidelines, 2015. Collection method: clinical testing. Allele origin: germline. Affected: yes. Not counted in ClinVar's aggregate classification.

Genomic Diagnostic Laboratory, Division of Genomic Diagnostics, Children's Hospital of Philadelphia
Classification: Uncertain significance for Hereditary Breast and Ovarian Cancer. Last evaluated: 2015-09-02. Review status: criteria provided, single submitter. Criteria: DGD Variant Analysis Guidelines. Collection method: clinical testing. Allele origin: unknown. Not counted in ClinVar's aggregate classification.

NM_007294.4(BRCA1):c.536A>G (p.Tyr179Cys)

Gene: BRCA1 (BRCA1 DNA repair associated; minus strand). Cytogenetic location: 17q21.31.
Variant type: single nucleotide variant.
Coding change: c.536A>G on transcript NM_007294.4 (MANE Select); coding-DNA position 536, A replaced by G.
Protein change: p.Tyr179Cys; replaces tyrosine 179 with cysteine.
Molecular consequence: missense variant. On other transcripts: non-coding transcript variant (1).
Genome position (GRCh38, 1-based): chr17:43,099,786, T>C on the plus strand (A>G on the coding strand, the complement: BRCA1 is on the minus strand). VCF-style: chr17-43099786-T-C. GRCh37 (hg19) VCF-style: chr17-41251803-T-C.
Other names: p.Y179C:TAC>TGC; 655A>G; c.536A>G, p.Tyr179Cys (NM_001408443.1, NM_001408444.1, NM_001408472.1 and 97 more transcripts); c.533A>G, p.Tyr178Cys (NM_001408445.1, NM_001408446.1, NM_001408447.1 and 65 more transcripts); c.401A>G, p.Tyr134Cys (NM_001408451.1); c.395A>G, p.Tyr132Cys (NM_001408452.1, NM_001408453.1, NM_001408454.1 and 61 more transcripts); c.392A>G, p.Tyr131Cys (NM_001408462.1, NM_001408463.1, NM_001408464.1 and 35 more transcripts); c.458A>G, p.Tyr153Cys (NM_001408474.1, NM_001408476.1, NM_001407653.1 and 12 more transcripts); and 6 more; short protein forms Y179C, Y132C, Y109C, Y178C, Y51C, Y134C, Y176C, Y131C.
Identifiers: ClinVar variation 37661 (VCV000037661.98), dbSNP rs56187033, ClinGen allele CA003536.